The following is an entry in ClinVar:

NM_001267550.2(TTN):c.29230C>T (p.Arg9744Cys)

Gene: TTN (titin; minus strand). Cytogenetic location: 2q31.2.
Variant type: single nucleotide variant.
Coding change: c.29230C>T on transcript NM_001267550.2 (MANE Select); coding-DNA position 29230, C replaced by T.
Protein change: p.Arg9744Cys; replaces arginine 9744 with cysteine.
Molecular consequence: missense variant. On other transcripts: intron variant (3).
Genome position (GRCh38, 1-based): chr2:178,706,644, G>A on the plus strand (C>T on the coding strand, the complement: TTN is on the minus strand). VCF-style: chr2-178706644-G-A. GRCh37 (hg19) VCF-style: chr2-179571371-G-A.
Other names: c.28279C>T, p.Arg9427Cys (NM_001256850.1); c.25498C>T, p.Arg8500Cys (NM_133378.4); c.13282+31438C>T (NM_003319.4); c.13858+31438C>T (NM_133437.4); c.13657+31438C>T (NM_133432.3); short protein forms R9744C, R8500C, R9427C.
Identifiers: ClinVar variation 46820 (VCV000046820.52), dbSNP rs375266859, ClinGen allele CA139279.

ClinVar aggregate classification (germline): Conflicting classifications of pathogenicity. Review status: criteria provided, conflicting classifications (1 of 4 stars). 18 submissions from 13 submitters: Uncertain significance (11); Benign (1); Likely benign (6). Last evaluated 2026-04-27.

Conditions:
TTN-related disorder. Also called: TTN-related condition; TTN-related disease; TTN-related disorders.
Dilated cardiomyopathy 1G (CMD1G). Identifiers: Orphanet 154, MedGen C1858763, MONDO:0011400, OMIM 604145.
Autosomal recessive limb-girdle muscular dystrophy type 2J (LGMDR10). Also called: Limb-girdle muscular dystrophy, type 2J; MUSCULAR DYSTROPHY, LIMB-GIRDLE, AUTOSOMAL RECESSIVE 10. Identifiers: Orphanet 140922, MedGen C1837342, MONDO:0012127, OMIM 608807.
Cardiomyopathy (CMYO). Also called: Cardiomyopathies. Identifiers: Orphanet 167848, MedGen C0878544, MONDO:0004994, HP:0001638. Inheritance: Various modes of inheritance.
Early-onset myopathy with fatal cardiomyopathy (CMYO5). Also called: Salih Myopathy; CONGENITAL MYOPATHY 5 WITH CARDIOMYOPATHY. Identifiers: Orphanet 289377, MedGen C2673677, MONDO:0012714, OMIM 611705. Disease mechanism: loss of function.
Myopathy, myofibrillar, 9, with early respiratory failure (MFM9). Also called: Hereditary myopathy with early respiratory failure; Myopathy, distal, with early respiratory failure, autosomal dominant; EDSTROM MYOPATHY; MYOPATHY, PROXIMAL, WITH EARLY RESPIRATORY MUSCLE INVOLVEMENT. Identifiers: Orphanet 178464, Orphanet 34521, MedGen C1863599, MONDO:0011362, OMIM 603689.
Tibial muscular dystrophy (TMD). Also called: Udd Distal Myopathy – Tibial Muscular Dystrophy; Tibial muscular dystrophy, tardive; UDD MYOPATHY. Identifiers: Orphanet 609, MedGen C1838244, MONDO:0010870, OMIM 600334.
Cardiac arrest. Identifiers: MedGen C0018790, MONDO:0000745, HP:0001695.
Sudden cardiac death (SCD). Also called: Sudden adult death syndrome. Identifiers: MedGen C0085298, MeSH D016757, HP:0001645.

Allele frequency attached by ClinVar (database versions not stated): gnomAD 0.00004 and 0.00005; gnomAD exomes 0.00006; TOPMed 0.00006; ExAC 0.00007; ESP Exome Variant Server 0.00008.
gnomAD v4.1: 69 of 1,613,702 alleles (0.0043%); highest among the groups gnomAD compares: Non-Finnish European, 0.0052%; no homozygotes.

Submissions (18):

PreventionGenetics, part of Exact Sciences
Classification: Uncertain significance for TTN-related condition. Last evaluated: 2026-04-27. Review status: criteria provided, single submitter. Criteria: ACMG Guidelines, 2015. Collection method: clinical testing. Allele origin: germline.
Comment: The TTN c.29230C>T variant is predicted to result in the amino acid substitution p.Arg9744Cys. To our knowledge, this variant has not been reported in the literature. This variant is reported in 0.019% of alleles in individuals of Ashkenazi Jewish descent in gnomAD. At this time, the clinical significance of this variant is uncertain due to the absence of conclusive functional and genetic evidence.

CeGaT Center for Human Genetics Tuebingen
Classification: Uncertain significance. Last evaluated: 2025-06-01. Review status: criteria provided, single submitter. Criteria: CeGaT Center For Human Genetics Tuebingen Variant Classification Criteria Version 2. Collection method: clinical testing. Allele origin: germline. Affected: yes. Observed: 2 variant alleles.
Comment: TTN: PM2, PM5:Supporting

Molecular Diagnostic Laboratory for Inherited Cardiovascular Disease, Montreal Heart Institute
Classification: Likely benign. Last evaluated: 2025-04-09. Review status: criteria provided, single submitter. Criteria: ACMG Guidelines, 2015. Collection method: clinical testing. Allele origin: germline. Affected: no.

Blueprint Genetics
Classification: Likely benign. Last evaluated: 2024-11-08. Review status: criteria provided, single submitter. Criteria: ACMG Guidelines, 2015. Collection method: clinical testing. Allele origin: germline.

Women's Health and Genetics/Laboratory Corporation of America, LabCorp
Classification: Uncertain significance. Last evaluated: 2022-07-10. Review status: criteria provided, single submitter. Criteria: LabCorp Variant Classification Summary - May 2015. Collection method: clinical testing. Allele origin: germline.

Athena Diagnostics
Classification: Uncertain significance. Last evaluated: 2021-08-20. Review status: criteria provided, single submitter. Criteria: Athena Diagnostics Criteria. Collection method: clinical testing. Allele origin: unknown.

GeneDx
Classification: Likely benign. Last evaluated: 2021-04-30. Review status: criteria provided, single submitter. Criteria: GeneDx Variant Classification Process June 2021. Collection method: clinical testing. Allele origin: germline. Affected: yes.
Comment: This variant is associated with the following publications: (PMID: 19608031)

Eurofins Ntd Llc (ga)
Classification: Uncertain significance. Last evaluated: 2017-12-11. Review status: criteria provided, single submitter. Criteria: EGL Classification Definitions 2015. Collection method: clinical testing. Allele origin: germline. Observed: 1 variant allele, 1 heterozygote.

Illumina Laboratory Services, Illumina
Classification: Uncertain significance for Early-onset myopathy with fatal cardiomyopathy. Last evaluated: 2017-04-28. Review status: criteria provided, single submitter. Criteria: ICSL Variant Classification Criteria 13 December 2019. Collection method: clinical testing. Allele origin: germline.

Illumina Laboratory Services, Illumina
Classification: Uncertain significance for Autosomal recessive limb-girdle muscular dystrophy type 2J. Last evaluated: 2017-04-28. Review status: criteria provided, single submitter. Criteria: ICSL Variant Classification Criteria 13 December 2019. Collection method: clinical testing. Allele origin: germline.

Illumina Laboratory Services, Illumina
Classification: Likely benign for Tibial muscular dystrophy. Last evaluated: 2017-04-28. Review status: criteria provided, single submitter. Criteria: ICSL Variant Classification Criteria 13 December 2019. Collection method: clinical testing. Allele origin: germline.
Comment: This variant was observed as part of a predisposition screen in an ostensibly healthy population. A literature search was performed for the gene, cDNA change, and amino acid change (where applicable). No publications were found based on this search. Allele frequency data from public databases allowed determination this variant is unlikely to cause disease. Therefore, this variant is classified as likely benign.

Illumina Laboratory Services, Illumina
Classification: Benign for Myopathy, myofibrillar, 9, with early respiratory failure. Last evaluated: 2017-04-28. Review status: criteria provided, single submitter. Criteria: ICSL Variant Classification Criteria 13 December 2019. Collection method: clinical testing. Allele origin: germline.
Comment: This variant was observed as part of a predisposition screen in an ostensibly healthy population. A literature search was performed for the gene, cDNA change, and amino acid change (where applicable). No publications were found based on this search. Allele frequency data from public databases was too high to be consistent with this variant causing disease. Therefore, this variant is classified as benign.

Illumina Laboratory Services, Illumina
Classification: Uncertain significance for Dilated cardiomyopathy 1G. Last evaluated: 2017-04-28. Review status: criteria provided, single submitter. Criteria: ICSL Variant Classification Criteria 13 December 2019. Collection method: clinical testing. Allele origin: germline.

Labcorp Genetics (formerly Invitae), Labcorp
Classification: Uncertain significance for Dilated cardiomyopathy 1G; Autosomal recessive limb-girdle muscular dystrophy type 2J. Last evaluated: 2017-03-15. Review status: criteria provided, single submitter. Criteria: Invitae Variant Classification Sherloc (09022015). Collection method: clinical testing. Allele origin: germline.

CHEO Genetics Diagnostic Laboratory, Children's Hospital of Eastern Ontario
Classification: Uncertain significance for Cardiomyopathy. Last evaluated: 2016-11-16. Review status: criteria provided, single submitter. Criteria: ACMG Guidelines, 2015. Collection method: clinical testing. Allele origin: germline. Study: Canadian Open Genetics Repository.

Centre for Mendelian Genomics, University Medical Centre Ljubljana
Classification: Likely benign for Tibial muscular dystrophy. Last evaluated: 2016-01-01. Review status: criteria provided, single submitter. Criteria: ACMG Guidelines, 2015. Collection method: clinical testing. Allele origin: unknown. Affected: yes.
Comment: This variant was classified as: Likely benign.

Centre for Mendelian Genomics, University Medical Centre Ljubljana
Classification: Likely benign for Cardiac arrest; Sudden cardiac death. Last evaluated: 2014-01-08. Review status: criteria provided, single submitter. Criteria: ACMG Guidelines, 2015. Collection method: clinical testing. Allele origin: unknown. Affected: yes.

Laboratory for Molecular Medicine, Mass General Brigham Personalized Medicine
Classification: Uncertain significance. Last evaluated: 2012-07-02. Review status: criteria provided, single submitter. Criteria: LMM Criteria. Collection method: clinical testing. Allele origin: germline. Observed: 2 variant alleles.
Comment: This variant h as not been identified in a very large and broad population by the NHLBI Exome S equencing Project. This low frequency is cons istent with a disease causing role, but insufficient to establish this with conf idence. Computational analyses (biochemical amino acid properties, conservation, AlignGVGD, PolyPhen2, and SIFT) do not provide strong support for or against an impact to the protein. Additional information is needed to fully assess the cli nical significance of the Arg8500Cys variant.

Literature cited by the submitters: PubMed 19608031 (cited by Laboratory for Molecular Medicine, Mass General Brigham Personalized Medicine).